The following is an entry in ClinVar:

NM_031885.5(BBS2):c.55G>C (p.Val19Leu)

Gene: BBS2 (Bardet-Biedl syndrome 2; minus strand). Cytogenetic location: 16q13.
Variant type: single nucleotide variant.
Coding change: c.55G>C on transcript NM_031885.5 (MANE Select); coding-DNA position 55, G replaced by C.
Protein change: p.Val19Leu; replaces valine 19 with leucine.
Molecular consequence: missense variant. On other transcripts: non-coding transcript variant (5).
Genome position (GRCh38, 1-based): chr16:56,519,808, C>G on the plus strand (G>C on the coding strand, the complement: BBS2 is on the minus strand). VCF-style: chr16-56519808-C-G. GRCh37 (hg19) VCF-style: chr16-56553720-C-G.
Other names: c.55G>C, p.Val19Leu (NM_001377456.1); short protein forms V19L.
Identifiers: ClinVar variation 2098423 (VCV002098423.4), dbSNP rs1158566793, ClinGen allele CA395988153.
Genomic context (GRCh38, chr16:56,519,808, plus strand): 5'-TGCCCGTTTGGGTGGCGGCCGCCAGGCACGGGTGAGTCCCGTCGTAGCGCCCTATGGCCA[C>G]CATTCGGGGGCTGATTTTGTGGCGCAGTTTCAGGGTGAACACAGGCAGCAGCATGATGGC-3'
Protein context (NP_114091.4, residues 9-29): KLRHKISPRM[Val19Leu]AIGRYDGTHP

ClinVar aggregate classification (germline): Uncertain significance (1 of 4 stars; one submission).

Conditions:
Bardet-Biedl syndrome (BBS). Identifiers: Orphanet 110, MedGen C0752166, MONDO:0015229.

Submission:

Labcorp Genetics (formerly Invitae), Labcorp
Classification: Uncertain significance for Bardet-Biedl syndrome. Last evaluated: 2026-01-05. Review status: criteria provided, single submitter. Criteria: Invitae Variant Classification Sherloc (09022015). Collection method: clinical testing. Allele origin: germline.
Comment: This sequence change replaces valine, which is neutral and non-polar, with leucine, which is neutral and non-polar, at codon 19 of the BBS2 protein (p.Val19Leu). This variant is not present in population databases (gnomAD no frequency). This variant has not been reported in the literature in individuals affected with BBS2-related conditions. ClinVar contains an entry for this variant (Variation ID: 2098423). Invitae Evidence Modeling of protein sequence and biophysical properties (such as structural, functional, and spatial information, amino acid conservation, physicochemical variation, residue mobility, and thermodynamic stability) indicates that this missense variant is not expected to disrupt BBS2 protein function with a negative predictive value of 80%. In summary, the available evidence is currently insufficient to determine the role of this variant in disease. Therefore, it has been classified as a Variant of Uncertain Significance.